The following is an entry in ClinVar:

ClinVar aggregate classification (germline): Likely benign. Review status: criteria provided, multiple submitters, no conflicts (2 of 4 stars). 3 submissions from 3 submitters: Likely benign (3). Last evaluated 2026-01-15.

Conditions:
Inborn genetic diseases. Identifiers: MedGen C0950123, MeSH D030342.
Congenital factor V deficiency. Also called: LABILE FACTOR DEFICIENCY; OWREN PARAHEMOPHILIA; PARAHEMOPHILIA; Hereditary factor V deficiency disease. Identifiers: Orphanet 326, MedGen C0015499, MONDO:0009210, OMIM 227400.

Allele frequency attached by ClinVar (database versions not stated): ExAC 0.00006; gnomAD exomes 0.00007; TOPMed 0.00007; gnomAD 0.00010 and 0.00011; 1000 Genomes Project 0.00020.
gnomAD v4.1: 61 of 1,605,500 alleles (0.0038%); highest among the groups gnomAD compares: African/African-American, 0.032%; no homozygotes.

Submissions (3):

Labcorp Genetics (formerly Invitae), Labcorp
Classification: Likely benign for Congenital factor V deficiency. Last evaluated: 2026-01-15. Review status: criteria provided, single submitter. Criteria: Invitae Variant Classification Sherloc (09022015). Collection method: clinical testing. Allele origin: germline.

CeGaT Center for Human Genetics Tuebingen
Classification: Likely benign. Last evaluated: 2025-12-01. Review status: criteria provided, single submitter. Criteria: CeGaT Center For Human Genetics Tuebingen Variant Classification Criteria Version 2. Collection method: clinical testing. Allele origin: germline. Affected: yes. Observed: 1 variant allele.
Comment: F5: BP4, BP7

Ambry Genetics
Classification: Likely benign for Inborn genetic diseases. Last evaluated: 2025-07-06. Review status: criteria provided, single submitter. Criteria: Ambry Variant Classification Scheme 2023. Collection method: clinical testing. Allele origin: germline.

NM_000130.5(F5):c.4056C>T (p.Leu1352=)

Gene: F5 (coagulation factor V; minus strand). Cytogenetic location: 1q24.2.
Variant type: single nucleotide variant.
Coding change: c.4056C>T on transcript NM_000130.5 (MANE Select); coding-DNA position 4056, C replaced by T.
Protein change: p.Leu1352=; no amino-acid change (leucine 1352 retained).
Molecular consequence: synonymous variant.
Genome position (GRCh38, 1-based): chr1:169,541,034, G>A on the plus strand (C>T on the coding strand, the complement: F5 is on the minus strand). VCF-style: chr1-169541034-G-A. GRCh37 (hg19) VCF-style: chr1-169510272-G-A.
Identifiers: ClinVar variation 738214 (VCV000738214.11), dbSNP rs549332286, ClinGen allele CA1233768.